The following is an entry in ClinVar:

ClinVar aggregate classification (germline): Uncertain significance (1 of 4 stars; one submission).

Conditions:
Familial thoracic aortic aneurysm and aortic dissection (TAAD). Also called: Thoracic aortic aneurysms and dissections. Identifiers: Orphanet 91387, MedGen C4707243, MONDO:0019625.

Submission:

All of Us Research Program, National Institutes of Health
Classification: Uncertain significance for Familial thoracic aortic aneurysm and aortic dissection. Last evaluated: 2023-05-04. Review status: criteria provided, single submitter. Criteria: ACMG Guidelines, 2015. Collection method: clinical testing. Allele origin: germline. Inheritance: Autosomal dominant inheritance. Observed: 1 variant allele, 1 heterozygote.
Comment: This missense variant replaces glutamic acid with glycine at codon 243 of the ACTA2 protein. Computational prediction suggests that this variant may have deleterious impact on protein structure and function (internally defined REVEL score threshold >= 0.7, PMID: 27666373). To our knowledge, functional studies have not been reported for this variant. This variant has not been reported in individuals affected with ACTA2-related disorders in the literature. This variant has not been identified in the general population by the Genome Aggregation Database (gnomAD). The available evidence is insufficient to determine the role of this variant in disease conclusively. Therefore, this variant is classified as a Variant of Uncertain Significance.

This study involves interpretation of variants in research participants for the purpose of population health screening. Participant phenotype was not available at the time of variant classification. Additional details can be found in publication PMID: 35346344, PMCID: PMC8962531

NM_001613.4(ACTA2):c.728A>G (p.Glu243Gly)

Genes: ACTA2 (actin alpha 2, smooth muscle; minus strand), ACTA2-AS1 (ACTA2 antisense RNA 1; plus strand). Cytogenetic location: 10q23.31.
Variant type: single nucleotide variant.
Coding change: c.728A>G on transcript NM_001613.4 (MANE Select); coding-DNA position 728, A replaced by G.
Protein change: p.Glu243Gly; replaces glutamic acid 243 with glycine.
Molecular consequence: missense variant. On other transcripts: non-coding transcript variant (1), intron variant (1).
Genome position (GRCh38, 1-based): chr10:88,939,587, T>C on the plus strand (A>G on the coding strand, the complement: ACTA2 is on the minus strand). VCF-style: chr10-88939587-T-C. GRCh37 (hg19) VCF-style: chr10-90699344-T-C.
Other names: c.728A>G, p.Glu243Gly (NM_001141945.3, NM_001320855.2, NM_001406462.1 and 2 more transcripts); c.617A>G, p.Glu206Gly (NM_001406466.1); c.599A>G, p.Glu200Gly (NM_001406467.1, NM_001406468.1, NM_001406469.1); c.617-1345A>G (NM_001406471.1); short protein forms E200G, E206G, E243G.
Identifiers: ClinVar variation 3070650 (VCV003070650.1), dbSNP rs2494528309, ClinGen allele CA377511307.